The following is an entry in ClinVar:

NM_005120.3(MED12):c.3950C>T (p.Ala1317Val)

Gene: MED12 (mediator complex subunit 12; plus strand). Cytogenetic location: Xq13.1.
Variant type: single nucleotide variant.
Coding change: c.3950C>T on transcript NM_005120.3 (MANE Select); coding-DNA position 3950, C replaced by T.
Protein change: p.Ala1317Val; replaces alanine 1317 with valine.
Molecular consequence: missense variant.
Genome position (GRCh38, 1-based): chrX:71,130,117, C>T. VCF-style: chrX-71130117-C-T. GRCh37 (hg19) VCF-style: chrX-70349967-C-T.
Other names: short protein forms A1317V.
Identifiers: ClinVar variation 4057143 (VCV004057143.1).

ClinVar aggregate classification (germline): Uncertain significance (1 of 4 stars; one submission).

Submission:

GeneDx
Classification: Uncertain significance. Last evaluated: 2025-01-10. Review status: criteria provided, single submitter. Criteria: GeneDx Variant Classification Process June 2021. Collection method: clinical testing. Allele origin: germline. Affected: yes.
Comment: Not observed at significant frequency in large population cohorts (gnomAD); In silico analysis supports that this missense variant has a deleterious effect on protein structure/function; Has not been previously published as pathogenic or benign to our knowledge